The following is an entry in ClinVar:

NM_000093.5(COL5A1):c.5371-8T>C

Genes: COL5A1 (collagen type V alpha 1 chain; plus strand), LOC101448202 (uncharacterized LOC101448202; minus strand). Cytogenetic location: 9q34.3.
Variant type: single nucleotide variant.
Coding change: c.5371-8T>C on transcript NM_000093.5 (MANE Select); 8 bases into the intron before coding-DNA position 5371, T replaced by C.
Molecular consequence: intron variant.
Genome position (GRCh38, 1-based): chr9:134,842,149, T>C. VCF-style: chr9-134842149-T-C. GRCh37 (hg19) VCF-style: chr9-137733995-T-C.
Other names: c.5371-8T>C (NM_001278074.1).
Identifiers: ClinVar variation 529301 (VCV000529301.20), dbSNP rs1352923765, ClinGen allele CA591363553.

ClinVar aggregate classification (germline): Conflicting classifications of pathogenicity. Review status: criteria provided, conflicting classifications (1 of 4 stars). 5 submissions from 3 submitters: Uncertain significance (3); Likely benign (2). Last evaluated 2026-04-27.

Conditions:
Ehlers-Danlos syndrome, classic type (cEDS). Identifiers: Orphanet 287, MedGen C4225429, MONDO:0007522.
Ehlers-Danlos syndrome, classic type, 1 (EDSCL1). Also called: Ehlers-Danlos Syndrome, Classic Type, COL5A1-Related; EDS I; Ehlers-Danlos syndrome, type 1; EHLERS-DANLOS SYNDROME, GRAVIS TYPE; EHLERS-DANLOS SYNDROME, SEVERE CLASSIC TYPE. Identifiers: MedGen C0268335, MONDO:0019567, OMIM 130000.
Fibromuscular dysplasia, multifocal. Identifiers: MedGen C5543412, MONDO:0859151, OMIM 619329.

Allele frequency attached by ClinVar (database versions not stated): gnomAD 0.00002; gnomAD exomes below 0.00001; TOPMed 0.00002.
gnomAD v4.1: 8 of 1,613,992 alleles (0.0005%); highest among the groups gnomAD compares: Middle Eastern, 0.016%; no homozygotes.

Submissions (5):

Women's Health and Genetics/Laboratory Corporation of America, LabCorp
Classification: Likely benign. Last evaluated: 2026-04-27. Review status: criteria provided, single submitter. Criteria: LabCorp Variant Classification Summary - May 2015. Collection method: clinical testing. Allele origin: germline.
Comment: Variant summary: COL5A1 c.5371-8T>C alters a non-conserved nucleotide located at a position not widely known to affect splicing. Consensus agreement among computation tools predict no significant impact on normal splicing. However, these predictions have yet to be confirmed by functional studies. The variant allele was found at a frequency of 4e-06 in 251010 control chromosomes. The available data on variant occurrences in the general population are insufficient to allow any conclusion about variant significance. To our knowledge, no occurrence of c.5371-8T>C in individuals affected with COL5A1-related conditions and no experimental evidence demonstrating its impact on protein function have been reported. ClinVar contains an entry for this variant (Variation ID: 529301). Based on the evidence outlined above, the variant was classified as likely benign.

Labcorp Genetics (formerly Invitae), Labcorp
Classification: Likely benign for Ehlers-Danlos syndrome, classic type, 1. Last evaluated: 2024-09-26. Review status: criteria provided, single submitter. Criteria: Invitae Variant Classification Sherloc (09022015). Collection method: clinical testing. Allele origin: germline.

Center for Genomics, Ann and Robert H. Lurie Children's Hospital of Chicago
Classification: Uncertain significance for Ehlers-Danlos syndrome, classic type, 1. Last evaluated: 2021-10-15. Review status: criteria provided, single submitter. Criteria: ACMG Guidelines, 2015. Collection method: clinical testing. Allele origin: germline.
Comment: COL5A1 NM_000093.3 intron 65 c.5371-8T>C: This variant has not been reported in the literature but is present in 0.004% (3/68022) of European alleles in the Genome Aggregation Database. This variant is present in ClinVar (Variation ID:529301). Evolutionary conservation and computational predictive tools for this variant are limited or unavailable. This variant is an intronic variant with no predicted change in the amino acid sequence but may have an unknown effect on splicing. Further studies are needed to understand its impact. In summary, data on this variant is insufficient for disease classification. Therefore, the clinical significance of this variant is uncertain.

Center for Genomics, Ann and Robert H. Lurie Children's Hospital of Chicago
Classification: Uncertain significance for Ehlers-Danlos syndrome, classic type, 1. Last evaluated: 2020-05-11. Review status: criteria provided, single submitter. Criteria: ACMG Guidelines, 2015. Collection method: clinical testing. Allele origin: germline.
Comment: COL5A1 NM_000093.4 exon 66 c.5371-8T>C: This variant has not been reported in the literature but is present in 0.002% (1/34588) of Latino alleles in the Genome Aggregation Database. This variant is present in ClinVar (Variation ID:529301). Evolutionary conservation and computational predictive tools for this variant are limited or unavailable. This variant is an intronic variant with no predicted change in the amino acid sequence but may have an unknown effect on splicing. Further studies are needed to understand its impact. In summary, data on this variant is insufficient for disease classification. Therefore, the clinical significance of this variant is uncertain.

Center for Genomics, Ann and Robert H. Lurie Children's Hospital of Chicago
Classification: Uncertain significance for Ehlers-Danlos syndrome, classic type, 1; Fibromuscular dysplasia, multifocal. Review status: criteria provided, single submitter. Criteria: ACMG Guidelines, 2015. Collection method: clinical testing. Allele origin: germline.
Comment: the same text as in the submission from Center for Genomics, Ann and Robert H. Lurie Children's Hospital of Chicago above.